The following is an entry in ClinVar:

NM_004990.4(MARS1):c.1294-19C>G

Gene: MARS1 (methionyl-tRNA synthetase 1; plus strand). Cytogenetic location: 12q13.3.
Variant type: single nucleotide variant.
Coding change: c.1294-19C>G on transcript NM_004990.4 (MANE Select); 19 bases into the intron before coding-DNA position 1294, C replaced by G.
Molecular consequence: intron variant.
Genome position (GRCh38, 1-based): chr12:57,504,206, C>G. VCF-style: chr12-57504206-C-G. GRCh37 (hg19) VCF-style: chr12-57897989-C-G.
Identifiers: ClinVar variation 1032278 (VCV001032278.5), dbSNP rs368800423, ClinGen allele CA237761986.

ClinVar aggregate classification (germline): Conflicting classifications of pathogenicity. Review status: criteria provided, conflicting classifications (1 of 4 stars). 2 submissions from 2 submitters: Uncertain significance (1); Likely benign (1). Last evaluated 2024-07-03.

Conditions:
Severe early-onset pulmonary alveolar proteinosis due to MARS deficiency. Also called: Interstitial lung and liver disease; PULMONARY ALVEOLAR PROTEINOSIS, REUNION ISLAND. Identifiers: Orphanet 440427, MedGen C4225400, MONDO:0014206, OMIM 615486.
Charcot-Marie-Tooth disease axonal type 2U. Also called: CHARCOT-MARIE-TOOTH NEUROPATHY, TYPE 2U; CHARCOT-MARIE-TOOTH DISEASE, AXONAL, AUTOSOMAL DOMINANT, TYPE 2U. Identifiers: Orphanet 397735, MedGen C4084821, MONDO:0014566, OMIM 616280.

Allele frequency attached by ClinVar (database versions not stated): gnomAD exomes below 0.00001; gnomAD 0.00002 and 0.00003; TOPMed 0.00002.
gnomAD v4.1: 10 of 1,605,874 alleles (0.00062%); highest among the groups gnomAD compares: African/African-American, 0.0094%; no homozygotes.

Submissions (2):

Labcorp Genetics (formerly Invitae), Labcorp
Classification: Likely benign for Charcot-Marie-Tooth disease axonal type 2U; Severe early-onset pulmonary alveolar proteinosis due to MARS deficiency. Last evaluated: 2024-07-03. Review status: criteria provided, single submitter. Criteria: Invitae Variant Classification Sherloc (09022015). Collection method: clinical testing. Allele origin: germline.

Baylor Genetics
Classification: Uncertain significance for Severe early-onset pulmonary alveolar proteinosis due to MARS deficiency. Last evaluated: 2018-06-06. Review status: criteria provided, single submitter. Criteria: ACMG Guidelines, 2015. Collection method: clinical testing. Allele origin: paternal. Affected: yes.
Comment: This variant was determined to be of uncertain significance according to ACMG Guidelines, 2015 [PMID:25741868].